The following continues an entry in ClinVar:

NM_001267550.2(TTN):c.102271C>T (p.Arg34091Trp)

ClinVar aggregate classification (germline): Conflicting classifications of pathogenicity. Uncertain significance (4); Benign (4); Likely benign (10).

Submissions 16 to 25 of 25:

Illumina Laboratory Services, Illumina
Classification: Uncertain significance for Autosomal recessive limb-girdle muscular dystrophy type 2J. Last evaluated: 2017-04-27. Review status: criteria provided, single submitter. Criteria: ICSL Variant Classification Criteria 13 December 2019. Collection method: clinical testing. Allele origin: germline.
Comment: This variant was observed as part of a predisposition screen in an ostensibly healthy population. A literature search was performed for the gene, cDNA change, and amino acid change (where applicable). Publications were found based on this search. However, the evidence from the literature, in combination with allele frequency data from public databases where available, was not sufficient to rule this variant in or out of causing disease. Therefore, this variant is classified as a variant of unknown significance.

Illumina Laboratory Services, Illumina
Classification: Benign for Tibial muscular dystrophy. Last evaluated: 2017-04-27. Review status: criteria provided, single submitter. Criteria: ICSL Variant Classification Criteria 13 December 2019. Collection method: clinical testing. Allele origin: germline.
Comment: This variant was observed as part of a predisposition screen in an ostensibly healthy population. A literature search was performed for the gene, cDNA change, and amino acid change (where applicable). Publications were found based on this search. The evidence from the literature, in combination with allele frequency data from public databases where available, was sufficient to rule this variant out of causing disease. Therefore, this variant is classified as benign.

Illumina Laboratory Services, Illumina
Classification: Uncertain significance for Dilated cardiomyopathy 1G. Last evaluated: 2017-04-27. Review status: criteria provided, single submitter. Criteria: ICSL Variant Classification Criteria 13 December 2019. Collection method: clinical testing. Allele origin: germline.
Comment: This variant was observed as part of a predisposition screen in an ostensibly healthy population. A literature search was performed for the gene, cDNA change, and amino acid change (where applicable). Publications were found based on this search. However, the evidence from the literature, in combination with allele frequency data from public databases where available, was not sufficient to rule this variant in or out of causing disease. Therefore, this variant is classified as a variant of unknown significance.

PreventionGenetics, part of Exact Sciences
Classification: Likely benign for TTN-related condition. Last evaluated: 2020-09-22. Review status: no assertion criteria provided. Collection method: clinical testing. Allele origin: germline. Not counted in ClinVar's aggregate classification.
Comment: This variant is classified as likely benign based on ACMG/AMP sequence variant interpretation guidelines (Richards et al. 2015 PMID: 25741868, with internal and published modifications).

GeneReviews
Classification: Uncertain significance for Hereditary myopathy with early respiratory failure. Last evaluated: 2014-02-27. Review status: no assertion criteria provided. Collection method: literature only. Allele origin: germline. Affected: yes. Not counted in ClinVar's aggregate classification.

Clinical Genetics DNA and cytogenetics Diagnostics Lab, Erasmus MC, Erasmus Medical Center
Classification: Likely benign. Review status: no assertion criteria provided. Collection method: clinical testing. Allele origin: germline. Affected: yes. Study: VKGL Data-share Consensus. Not counted in ClinVar's aggregate classification.

Clinical Genetics, Academic Medical Center
Classification: Benign. Review status: no assertion criteria provided. Collection method: clinical testing. Allele origin: germline. Affected: yes. Study: VKGL Data-share Consensus. Not counted in ClinVar's aggregate classification.

Diagnostic Laboratory, Department of Genetics, University Medical Center Groningen
Classification: Likely benign. Review status: no assertion criteria provided. Collection method: clinical testing. Allele origin: germline. Affected: yes. Study: VKGL Data-share Consensus. Not counted in ClinVar's aggregate classification.

Genome Diagnostics Laboratory, University Medical Center Utrecht
Classification: Likely benign. Review status: no assertion criteria provided. Collection method: clinical testing. Allele origin: germline. Affected: yes. Study: VKGL Data-share Consensus. Not counted in ClinVar's aggregate classification.

Joint Genome Diagnostic Labs from Nijmegen and Maastricht, Radboudumc and MUMC+
Classification: Likely benign. Review status: no assertion criteria provided. Collection method: clinical testing. Allele origin: germline. Affected: yes. Study: VKGL Data-share Consensus. Not counted in ClinVar's aggregate classification.

Literature cited by the submitters: PubMed 24231549 (cited by 4 submitters); PubMed 15802564 (cited by 6 submitters); PubMed 29361395 (cited by Athena Diagnostics); PubMed 24055113 (cited by Athena Diagnostics and Ambry Genetics); PubMed 24569025 (cited by 3 submitters); PubMed 24271327 (cited by 3 submitters); PubMed 24578547 (cited by Athena Diagnostics); PubMed 23486992 (cited by Athena Diagnostics); PubMed 28256728 (cited by Athena Diagnostics); PubMed 26272908 (cited by Athena Diagnostics); PubMed 23861362 (cited by Ambry Genetics); PubMed 27194543 (cited by Ambry Genetics).